The following is an entry in ClinVar:

ClinVar aggregate classification (germline): Uncertain significance (1 of 4 stars; one submission).

Conditions:
Kabuki syndrome. Also called: NIIKAWA-KUROKI SYNDROME; Kabuki make-up syndrome. Identifiers: Orphanet 2322, MedGen C0796004, MONDO:0016512.

Submission:

Labcorp Genetics (formerly Invitae), Labcorp
Classification: Uncertain significance for Kabuki syndrome. Last evaluated: 2023-07-17. Review status: criteria provided, single submitter. Criteria: Invitae Variant Classification Sherloc (09022015). Collection method: clinical testing. Allele origin: germline.
Comment: In summary, the available evidence is currently insufficient to determine the role of this variant in disease. Therefore, it has been classified as a Variant of Uncertain Significance. Advanced modeling of protein sequence and biophysical properties (such as structural, functional, and spatial information, amino acid conservation, physicochemical variation, residue mobility, and thermodynamic stability) performed at Invitae indicates that this missense variant is not expected to disrupt KMT2D protein function. This variant has not been reported in the literature in individuals affected with KMT2D-related conditions. This variant is not present in population databases (gnomAD no frequency). This sequence change replaces proline, which is neutral and non-polar, with alanine, which is neutral and non-polar, at codon 2194 of the KMT2D protein (p.Pro2194Ala).

NM_003482.4(KMT2D):c.6580C>G (p.Pro2194Ala)

Gene: KMT2D (lysine methyltransferase 2D; minus strand). Cytogenetic location: 12q13.12.
Variant type: single nucleotide variant.
Coding change: c.6580C>G on transcript NM_003482.4 (MANE Select); coding-DNA position 6580, C replaced by G.
Protein change: p.Pro2194Ala; replaces proline 2194 with alanine.
Molecular consequence: missense variant.
Genome position (GRCh38, 1-based): chr12:49,041,190, G>C on the plus strand (C>G on the coding strand, the complement: KMT2D is on the minus strand). VCF-style: chr12-49041190-G-C. GRCh37 (hg19) VCF-style: chr12-49434973-G-C.
Other names: short protein forms P2194A.
Identifiers: ClinVar variation 2864924 (VCV002864924.3), dbSNP rs1943507024, ClinGen allele CA384750398.